The following is an entry in ClinVar:

ClinVar aggregate classification (germline): Uncertain significance (1 of 4 stars; one submission).

Conditions:
Cardiomyopathy (CMYO). Also called: Cardiomyopathies. Identifiers: Orphanet 167848, MedGen C0878544, MONDO:0004994, HP:0001638. Inheritance: Various modes of inheritance.

Submission:

Color Diagnostics, LLC DBA Color Health
Classification: Uncertain significance for Cardiomyopathy. Last evaluated: 2021-06-28. Review status: criteria provided, single submitter. Criteria: ACMG Guidelines, 2015. Collection method: clinical testing. Allele origin: germline.
Comment: This variant causes a T to A nucleotide substitution at the -11 position of intron 3 of the TPM1 gene. Splice prediction tools and conservation analysis are inconclusive regarding the impact of this variant on RNA splicing. To our knowledge, functional studies have not been reported for this variant. This variant has not been reported in individuals affected with cardiovascular disorders in the literature. This variant has not been identified in the general population by the Genome Aggregation Database (gnomAD). The available evidence is insufficient to determine the role of this variant in disease conclusively. Therefore, this variant is classified as a Variant of Uncertain Significance.

NM_001018005.2(TPM1):c.375-11T>A

Gene: TPM1 (tropomyosin 1; plus strand). Cytogenetic location: 15q22.2.
Variant type: single nucleotide variant.
Coding change: c.375-11T>A on transcript NM_001018005.2 (MANE Select); 11 bases into the intron before coding-DNA position 375, T replaced by A.
Molecular consequence: intron variant.
Genome position (GRCh38, 1-based): chr15:63,059,552, T>A. VCF-style: chr15-63059552-T-A. GRCh37 (hg19) VCF-style: chr15-63351751-T-A.
Other names: c.501-11T>A (NM_001365778.1); c.375-11T>A (NM_001018020.2, NM_001018007.2, NM_001018006.2 and 6 more transcripts); c.267-11T>A (NM_001330351.2, NM_001330344.2, NM_001018008.2 and 5 more transcripts).
Identifiers: ClinVar variation 1331839 (VCV001331839.2), dbSNP rs2140936883, ClinGen allele CA2573054056.